The following is an entry in ClinVar:

NM_000038.6(APC):c.8362C>G (p.Pro2788Ala)

Gene: APC (APC regulator of Wnt signaling pathway; plus strand). Cytogenetic location: 5q22.2.
Variant type: single nucleotide variant.
Coding change: c.8362C>G on transcript NM_000038.6 (MANE Select); coding-DNA position 8362, C replaced by G.
Protein change: p.Pro2788Ala; replaces proline 2788 with alanine.
Molecular consequence: missense variant.
Genome position (GRCh38, 1-based): chr5:112,843,956, C>G. VCF-style: chr5-112843956-C-G. GRCh37 (hg19) VCF-style: chr5-112179653-C-G.
Other names: c.8362C>G, p.Pro2788Ala (NM_001127510.3, NM_001354895.2, NM_001407450.1); c.8308C>G, p.Pro2770Ala (NM_001127511.3); c.8416C>G, p.Pro2806Ala (NM_001354896.2, NM_001407447.1, NM_001407448.1 and 1 more transcripts); c.8392C>G, p.Pro2798Ala (NM_001354897.2); c.8287C>G, p.Pro2763Ala (NM_001354898.2); c.8278C>G, p.Pro2760Ala (NM_001354899.2); c.8239C>G, p.Pro2747Ala (NM_001354900.2); c.8185C>G, p.Pro2729Ala (NM_001354901.2, NM_001407453.1); and 12 more; short protein forms P2404A, P2628A, P2798A, P2662A, P2687A, P2729A, P2747A, P2760A.
Identifiers: ClinVar variation 2109009 (VCV002109009.5), dbSNP rs1202591393, ClinGen allele CA16039478.

ClinVar aggregate classification (germline): Uncertain significance. Review status: criteria provided, multiple submitters, no conflicts (2 of 4 stars). 2 submissions from 2 submitters: Uncertain significance (2). Last evaluated 2024-08-28.

Conditions:
Hereditary cancer-predisposing syndrome. Also called: Neoplastic Syndromes, Hereditary; Hereditary Cancer Syndrome; Hereditary neoplastic syndrome; Tumor predisposition. Identifiers: Orphanet 140162, MedGen C0027672, MeSH D009386, MONDO:0015356.
Familial adenomatous polyposis 1 (FAP1). Also called: POLYPOSIS, ADENOMATOUS INTESTINAL; FAMILIAL ADENOMATOUS POLYPOSIS 1, ATTENUATED. Identifiers: MedGen C2713442, MONDO:0021056, OMIM 175100. Disease mechanism: loss of function.

Allele frequency attached by ClinVar (database versions not stated): gnomAD exomes below 0.00001.
gnomAD v4.1: 1 of 1,607,304 alleles (0.000062%); highest among the groups gnomAD compares: South Asian, 0.0011%; no homozygotes.

Submissions (2):

Ambry Genetics
Classification: Uncertain significance for Hereditary cancer-predisposing syndrome. Last evaluated: 2024-08-28. Review status: criteria provided, single submitter. Criteria: Ambry Variant Classification Scheme 2023. Collection method: clinical testing. Allele origin: germline.
Comment: The p.P2788A variant (also known as c.8362C>G), located in coding exon 15 of the APC gene, results from a C to G substitution at nucleotide position 8362. The proline at codon 2788 is replaced by alanine, an amino acid with highly similar properties. This amino acid position is conserved. In addition, in silico predictors for this gene do not accurately predict pathogenicity. Based on the available evidence, the clinical significance of this variant remains unclear.

Labcorp Genetics (formerly Invitae), Labcorp
Classification: Uncertain significance for Familial adenomatous polyposis 1. Last evaluated: 2022-03-11. Review status: criteria provided, single submitter. Criteria: Invitae Variant Classification Sherloc (09022015). Collection method: clinical testing. Allele origin: germline.
Comment: This sequence change replaces proline, which is neutral and non-polar, with alanine, which is neutral and non-polar, at codon 2788 of the APC protein (p.Pro2788Ala). This variant is present in population databases (no rsID available, gnomAD 0.01%). This variant has not been reported in the literature in individuals affected with APC-related conditions. Algorithms developed to predict the effect of missense changes on protein structure and function are either unavailable or do not agree on the potential impact of this missense change (SIFT: "Tolerated"; PolyPhen-2: "Probably Damaging"; Align-GVGD: "Class C0"). In summary, the available evidence is currently insufficient to determine the role of this variant in disease. Therefore, it has been classified as a Variant of Uncertain Significance.